The following is an entry in ClinVar:

NM_206933.4(USH2A):c.1558T>A (p.Cys520Ser)

Gene: USH2A (usherin; minus strand). Cytogenetic location: 1q41.
Variant type: single nucleotide variant.
Coding change: c.1558T>A on transcript NM_206933.4 (MANE Select); coding-DNA position 1558, T replaced by A.
Protein change: p.Cys520Ser; replaces cysteine 520 with serine.
Molecular consequence: missense variant.
Genome position (GRCh38, 1-based): chr1:216,321,969, A>T on the plus strand (T>A on the coding strand, the complement: USH2A is on the minus strand). VCF-style: chr1-216321969-A-T. GRCh37 (hg19) VCF-style: chr1-216495311-A-T.
Other names: c.1558T>A, p.Cys520Ser (NM_007123.6); short protein forms C520S.
Identifiers: ClinVar variation 1470868 (VCV001470868.6), dbSNP rs2102650681, ClinGen allele CA344908208.

ClinVar aggregate classification (germline): Pathogenic (1 of 4 stars; one submission).

Submission:

Labcorp Genetics (formerly Invitae), Labcorp
Classification: Pathogenic. Last evaluated: 2023-09-08. Review status: criteria provided, single submitter. Criteria: Invitae Variant Classification Sherloc (09022015). Collection method: clinical testing. Allele origin: germline.
Comment: For these reasons, this variant has been classified as Pathogenic. This variant disrupts the p.Cys520 amino acid residue in USH2A. Other variant(s) that disrupt this residue have been determined to be pathogenic (PMID: 25333064). This suggests that this residue is clinically significant, and that variants that disrupt this residue are likely to be disease-causing. Advanced modeling of protein sequence and biophysical properties (such as structural, functional, and spatial information, amino acid conservation, physicochemical variation, residue mobility, and thermodynamic stability) performed at Invitae indicates that this missense variant is expected to disrupt USH2A protein function. ClinVar contains an entry for this variant (Variation ID: 1470868). This missense change has been observed in individual(s) with clinical features of retinitis pigmentosa (Invitae). In at least one individual the data is consistent with being in trans (on the opposite chromosome) from a pathogenic variant. This variant is not present in population databases (gnomAD no frequency). This sequence change replaces cysteine, which is neutral and slightly polar, with serine, which is neutral and polar, at codon 520 of the USH2A protein (p.Cys520Ser).

Literature cited by the submitters: PubMed 25333064.